The following is an entry in ClinVar:

NM_145239.3(PRRT2):c.349G>C (p.Glu117Gln)

Genes: MVP-DT (MVP divergent transcript; minus strand), PRRT2 (proline rich transmembrane protein 2; plus strand). Cytogenetic location: 16p11.2.
Variant type: single nucleotide variant.
Coding change: c.349G>C on transcript NM_145239.3 (MANE Select); coding-DNA position 349, G replaced by C.
Protein change: p.Glu117Gln; replaces glutamic acid 117 with glutamine.
Molecular consequence: missense variant.
Genome position (GRCh38, 1-based): chr16:29,813,403, G>C. VCF-style: chr16-29813403-G-C. GRCh37 (hg19) VCF-style: chr16-29824724-G-C.
Other names: c.349G>C, p.Glu117Gln (NM_001256442.2, NM_001256443.2); short protein forms E117Q.
Identifiers: ClinVar variation 1005335 (VCV001005335.9), dbSNP rs1900078271, ClinGen allele CA395478309.
Genomic context (GRCh38, chr16:29,813,403, plus strand): 5'-GCCAACTGCAGCCCCGAAGACCCATGCCAAGAAACAGTGTCCAAACCAGAAGTGAGCAAA[G>C]AGGCCACTGCAGACCAGGGGTCCAGGCTGGAGTCTGCAGCCCCACCTGAACCAGCCCCAG-3'
Protein context (NP_660282.2, residues 107-127): ETVSKPEVSK[Glu117Gln]ATADQGSRLE

ClinVar aggregate classification (germline): Uncertain significance (1 of 4 stars; one submission).

Conditions:
Episodic kinesigenic dyskinesia (EKD). Also called: Paroxysmal kinesigenic dyskinesia. Identifiers: Orphanet 98809, MedGen C1868682, MONDO:0044202.

Allele frequency attached by ClinVar (database versions not stated): gnomAD exomes 0.00001.
gnomAD v4.1: 8 of 1,614,162 alleles (0.0005%); highest among the groups gnomAD compares: Non-Finnish European, 0.00068%; no homozygotes.

Submission:

Labcorp Genetics (formerly Invitae), Labcorp
Classification: Uncertain significance for Episodic kinesigenic dyskinesia. Last evaluated: 2020-01-10. Review status: criteria provided, single submitter. Criteria: Invitae Variant Classification Sherloc (09022015). Collection method: clinical testing. Allele origin: germline.
Comment: In summary, the available evidence is currently insufficient to determine the role of this variant in disease. Therefore, it has been classified as a Variant of Uncertain Significance. Algorithms developed to predict the effect of missense changes on protein structure and function are either unavailable or do not agree on the potential impact of this missense change (SIFT: "Deleterious"; PolyPhen-2: "Possibly Damaging"; Align-GVGD: "Class C0"). This variant has not been reported in the literature in individuals with PRRT2-related conditions. This variant is not present in population databases (ExAC no frequency). This sequence change replaces glutamic acid with glutamine at codon 117 of the PRRT2 protein (p.Glu117Gln). The glutamic acid residue is highly conserved and there is a small physicochemical difference between glutamic acid and glutamine.